The following is an entry in ClinVar:

NM_170784.3(MKKS):c.1265G>A (p.Arg422Lys)

Gene: MKKS (MKKS centrosomal shuttling protein; minus strand). Cytogenetic location: 20p12.2.
Variant type: single nucleotide variant.
Coding change: c.1265G>A on transcript NM_170784.3 (MANE Select); coding-DNA position 1265, G replaced by A.
Protein change: p.Arg422Lys; replaces arginine 422 with lysine.
Molecular consequence: missense variant. On other transcripts: non-coding transcript variant (1).
Genome position (GRCh38, 1-based): chr20:10,407,623, C>T on the plus strand (G>A on the coding strand, the complement: MKKS is on the minus strand). VCF-style: chr20-10407623-C-T. GRCh37 (hg19) VCF-style: chr20-10388271-C-T.
Other names: c.1265G>A, p.Arg422Lys (NM_018848.3); short protein forms R422K.
Identifiers: ClinVar variation 1047290 (VCV001047290.7), dbSNP rs754555322, ClinGen allele CA9763522.
Genomic context (GRCh38, chr20:10,407,623, plus strand): 5'-AAAACAAAAGTTGCTGAGAATTCAGGTAATCCGAAGAGGATTATCTTACATACCTTGTGT[C>T]TGATATATGCAGCCAAATGAGTTTCAGTACAGCCACCTCCCAACAAAGCCCATGGTTCCT-3'
Protein context (NP_740754.1, residues 412-432): CTETHLAAYI[Arg422Lys]HKTHNDPESI

ClinVar aggregate classification (germline): Uncertain significance. Review status: criteria provided, single submitter (1 of 4 stars). 2 submissions from 2 submitters: Uncertain significance (1). 1 of the submissions does not count toward it. Last evaluated 2021-09-01.

Conditions:
MKKS-related disorder. Also called: MKKS-related disorders; MKKS-related condition.
Bardet-Biedl syndrome (BBS). Identifiers: Orphanet 110, MedGen C0752166, MONDO:0015229.
McKusick-Kaufman syndrome (MKKS). Also called: HYDROMETROCOLPOS SYNDROME; HYDROMETROCOLPOS, POSTAXIAL POLYDACTYLY, AND CONGENITAL HEART MALFORMATION. Identifiers: Orphanet 2473, MedGen C0948368, MONDO:0009367, OMIM 236700.

Allele frequency attached by ClinVar (database versions not stated): ExAC 0.00007; TOPMed 0.00001; gnomAD exomes 0.00003 and 0.00001.
gnomAD v4.1: 16 of 1,613,422 alleles (0.00099%); highest among the groups gnomAD compares: African/African-American, 0.0013%; no homozygotes.

Submissions (2):

Labcorp Genetics (formerly Invitae), Labcorp
Classification: Uncertain significance for McKusick-Kaufman syndrome; Bardet-Biedl syndrome. Last evaluated: 2021-09-01. Review status: criteria provided, single submitter. Criteria: Invitae Variant Classification Sherloc (09022015). Collection method: clinical testing. Allele origin: germline.
Comment: This sequence change replaces arginine with lysine at codon 422 of the MKKS protein (p.Arg422Lys). The arginine residue is highly conserved and there is a small physicochemical difference between arginine and lysine. This variant is present in population databases (rs754555322, ExAC 0.01%). This variant has not been reported in the literature in individuals affected with MKKS-related conditions. Algorithms developed to predict the effect of missense changes on protein structure and function are either unavailable or do not agree on the potential impact of this missense change (SIFT: "Deleterious"; PolyPhen-2: "Benign"; Align-GVGD: "Class C25"). In summary, the available evidence is currently insufficient to determine the role of this variant in disease. Therefore, it has been classified as a Variant of Uncertain Significance.

PreventionGenetics, part of Exact Sciences
Classification: Uncertain significance for MKKS-related condition. Last evaluated: 2024-02-06. Review status: no assertion criteria provided. Collection method: clinical testing. Allele origin: germline. Not counted in ClinVar's aggregate classification.
Comment: The MKKS c.1265G>A variant is predicted to result in the amino acid substitution p.Arg422Lys. To our knowledge, this variant has not been reported in the literature. This variant is reported in 0.0070% of alleles in individuals of European (Non-Finnish) descent in gnomAD. At this time, the clinical significance of this variant is uncertain due to the absence of conclusive functional and genetic evidence.